The following is an entry in ClinVar:

NM_139343.3(BIN1):c.1541G>A (p.Arg514His)

Gene: BIN1 (bridging integrator 1; minus strand). Cytogenetic location: 2q14.3.
Variant type: single nucleotide variant.
Coding change: c.1541G>A on transcript NM_139343.3 (MANE Select); coding-DNA position 1541, G replaced by A.
Protein change: p.Arg514His; replaces arginine 514 with histidine.
Molecular consequence: missense variant.
Genome position (GRCh38, 1-based): chr2:127,050,833, C>T on the plus strand (G>A on the coding strand, the complement: BIN1 is on the minus strand). VCF-style: chr2-127050833-C-T. GRCh37 (hg19) VCF-style: chr2-127808409-C-T.
Other names: c.1034G>A, p.Arg345His (NM_001320632.2); c.1172G>A, p.Arg391His (NM_001320633.2); c.917G>A, p.Arg306His (NM_001320634.1); c.1301G>A, p.Arg434His (NM_001320640.2); c.1448G>A, p.Arg483His (NM_001320641.2); c.1460G>A, p.Arg487His (NM_001320642.1); c.1124G>A, p.Arg375His (NM_004305.4); c.1412G>A, p.Arg471His (NM_139344.3); and 7 more; short protein forms R391H, R396H, R427H, R375H, R403H, R439H, R514H, R306H.
Identifiers: ClinVar variation 648561 (VCV000648561.9), dbSNP rs766615886, ClinGen allele CA1857007.

ClinVar aggregate classification (germline): Uncertain significance. Review status: criteria provided, multiple submitters, no conflicts (2 of 4 stars). 4 submissions from 4 submitters: Uncertain significance (4). Last evaluated 2025-08-04.

Conditions:
Inborn genetic diseases. Identifiers: MedGen C0950123, MeSH D030342.
Myopathy, centronuclear, 2 (CNM2). Also called: MYOTUBULAR MYOPATHY, AUTOSOMAL RECESSIVE. Identifiers: Orphanet 169186, MedGen CN031787, MONDO:0009709, OMIM 255200.

Allele frequency attached by ClinVar (database versions not stated): gnomAD 0.00002; ExAC 0.00003; TOPMed 0.00003.
gnomAD v4.1: 31 of 1,613,620 alleles (0.0019%); highest among the groups gnomAD compares: African/African-American, 0.004%; no homozygotes.

Submissions (4):

Labcorp Genetics (formerly Invitae), Labcorp
Classification: Uncertain significance for Myopathy, centronuclear, 2. Last evaluated: 2025-08-04. Review status: criteria provided, single submitter. Criteria: Invitae Variant Classification Sherloc (09022015). Collection method: clinical testing. Allele origin: germline.
Comment: This sequence change replaces arginine, which is basic and polar, with histidine, which is basic and polar, at codon 514 of the BIN1 protein (p.Arg514His). This variant is present in population databases (rs766615886, gnomAD 0.007%). This variant has not been reported in the literature in individuals affected with BIN1-related conditions. ClinVar contains an entry for this variant (Variation ID: 648561). Invitae Evidence Modeling of protein sequence and biophysical properties (such as structural, functional, and spatial information, amino acid conservation, physicochemical variation, residue mobility, and thermodynamic stability) indicates that this missense variant is not expected to disrupt BIN1 protein function with a negative predictive value of 80%. In summary, the available evidence is currently insufficient to determine the role of this variant in disease. Therefore, it has been classified as a Variant of Uncertain Significance.

Ambry Genetics
Classification: Uncertain significance for Inborn genetic diseases. Last evaluated: 2025-05-26. Review status: criteria provided, single submitter. Criteria: Ambry Variant Classification Scheme 2023. Collection method: clinical testing. Allele origin: germline.

Blueprint Genetics
Classification: Uncertain significance. Last evaluated: 2024-05-28. Review status: criteria provided, single submitter. Criteria: ACMG Guidelines, 2015. Collection method: clinical testing. Allele origin: germline.

Breakthrough Genomics
Classification: Uncertain significance. Review status: criteria provided, single submitter. Criteria: ACMG Guidelines, 2015. Collection method: not provided. Allele origin: germline. Inheritance: Autosomal recessive inheritance. Affected: yes.